The following is an entry in ClinVar:

NM_018943.3(TUBA8):c.-7G>C

Genes: TUBA8 (tubulin alpha 8; plus strand), LOC130066945 (ATAC-STARR-seq lymphoblastoid silent region 13449; plus strand). Cytogenetic location: 22q11.21.
Variant type: single nucleotide variant.
Coding change: c.-7G>C on transcript NM_018943.3 (MANE Select); 7 bases upstream of the start codon, G replaced by C.
Molecular consequence: 5 prime UTR variant. On other transcripts: intron variant (1).
Genome position (GRCh38, 1-based): chr22:18,110,859, G>C. VCF-style: chr22-18110859-G-C. GRCh37 (hg19) VCF-style: chr22-18593625-G-C.
Other names: c.-196+20G>C (NM_001193414.2).
Identifiers: ClinVar variation 384315 (VCV000384315.3), dbSNP rs759100008, ClinGen allele CA10093521.
Genomic context (GRCh38, chr22:18,110,859, plus strand): 5'-CTGTATCTGGAGCAGTCGGGGCGGGCAGGCCCAGCTGAGAGGTGCGCGGGCGAGGACAGC[G>C]GCAGCGATGGTGAGGCTTCCCGGGGCCAGGCGGGCTGCGGGCGCGCGGCAGGCGTAGGAC-3'

ClinVar aggregate classification (germline): Likely benign. Review status: criteria provided, single submitter (1 of 4 stars). 2 submissions from 2 submitters: Likely benign (1). 1 of the submissions does not count toward it. Last evaluated 2016-03-11.

Conditions:
TUBA8-related disorder. Also called: TUBA8-related condition.

Allele frequency attached by ClinVar (database versions not stated): gnomAD exomes 0.00005; ExAC 0.00011; 1000 Genomes Project 30x 0.00016; gnomAD 0.00021 and 0.00024; TOPMed 0.00039.
gnomAD v4.1: 116 of 1,546,392 alleles (0.0075%); highest among the groups gnomAD compares: African/African-American, 0.072%; no homozygotes.

Submissions (2):

GeneDx
Classification: Likely benign. Last evaluated: 2016-03-11. Review status: criteria provided, single submitter. Criteria: GeneDx Variant Classification (06012015). Collection method: clinical testing. Allele origin: germline. Affected: yes.
Comment: This variant is considered likely benign or benign based on one or more of the following criteria: it is a conservative change, it occurs at a poorly conserved position in the protein, it is predicted to be benign by multiple in silico algorithms, and/or has population frequency not consistent with disease.

PreventionGenetics, part of Exact Sciences
Classification: Likely benign for TUBA8-related condition. Last evaluated: 2019-02-21. Review status: no assertion criteria provided. Collection method: clinical testing. Allele origin: germline. Not counted in ClinVar's aggregate classification.
Comment: This variant is classified as likely benign based on ACMG/AMP sequence variant interpretation guidelines (Richards et al. 2015 PMID: 25741868, with internal and published modifications).